The following is an entry in ClinVar:

NM_001723.7(DST):c.5729del (p.Pro1910fs)

Gene: DST (dystonin; minus strand). Cytogenetic location: 6p12.1.
Variant type: Deletion.
Coding change: c.5729del on transcript NM_001723.7 (MANE Plus Clinical); coding-DNA position 5729, one base deleted (C; older notation c.5729delC).
Protein change: p.Pro1910fs; shifts the reading frame from proline 1910.
Molecular consequence: frameshift variant. On other transcripts: intron variant (10).
Genome position (GRCh38, 1-based): chr6:56,618,305, G deleted on the plus strand (C on the coding strand, the reverse complement: DST is on the minus strand); the first of 4 consecutive G bases (chr6:56,618,305-56,618,308); deleting any one gives the same sequence. VCF-style (leftmost placement, unchanged base first): chr6-56618304-AG-A. GRCh37 (hg19) VCF-style: chr6-56483102-AG-A.
Other names: c.4831-3821del (NM_001144769.5); c.4930-3821del (NM_001374722.1, NM_001374736.1); c.4957-3821del (NM_001374734.1); c.4417-3821del (NM_001144770.2); c.4297-3821del (NM_001374730.1, NM_001386100.1, NM_183380.4 and 1 more transcripts); c.3319-3821del (NM_015548.5); short protein forms P1910fs.
Identifiers: ClinVar variation 2062076 (VCV002062076.4), dbSNP rs2536674321, ClinGen allele CA2580075610.

ClinVar aggregate classification (germline): Pathogenic (1 of 4 stars; one submission).

Conditions:
Epidermolysis bullosa simplex 3, localized or generalized intermediate, with BP230 deficiency (EBS3). Also called: Epidermolysis bullosa simplex due to BP230 deficiency; Epidermolysis bullosa simplex, autosomal recessive 2. Identifiers: Orphanet 412181, MedGen C3809470, MONDO:0014180, OMIM 615425.
Hereditary sensory and autonomic neuropathy type 6. Also called: Neuropathy, hereditary sensory and autonomic, type VI; HSAN VI. Identifiers: Orphanet 314381, MedGen C3539003, MONDO:0013839, OMIM 614653.

Submission:

Labcorp Genetics (formerly Invitae), Labcorp
Classification: Pathogenic for Epidermolysis bullosa simplex 3, localized or generalized intermediate, with BP230 deficiency; Hereditary sensory and autonomic neuropathy type 6. Last evaluated: 2022-11-23. Review status: criteria provided, single submitter. Criteria: Invitae Variant Classification Sherloc (09022015). Collection method: clinical testing. Allele origin: germline.
Comment: For these reasons, this variant has been classified as Pathogenic. This variant has not been reported in the literature in individuals affected with DST-related conditions. This variant is not present in population databases (gnomAD no frequency). This sequence change creates a premature translational stop signal (p.Pro1910Leufs*3) in the DST gene. It is expected to result in an absent or disrupted protein product. Loss-of-function variants in DST are known to be pathogenic (PMID: 22522446, 25059916, 30371979).

Literature cited by the submitters: PubMed 22522446; PubMed 25059916; PubMed 30371979.